The following is an entry in ClinVar:

NM_152906.7(TANGO2):c.87C>G (p.Phe29Leu)

Gene: TANGO2 (transport and golgi organization 2 homolog; plus strand). Cytogenetic location: 22q11.21.
Variant type: single nucleotide variant.
Coding change: c.87C>G on transcript NM_152906.7 (MANE Select); coding-DNA position 87, C replaced by G.
Protein change: p.Phe29Leu; replaces phenylalanine 29 with leucine.
Molecular consequence: missense variant. On other transcripts: 5 prime UTR variant (12), non-coding transcript variant (5).
Genome position (GRCh38, 1-based): chr22:20,043,385, C>G. VCF-style: chr22-20043385-C-G. GRCh37 (hg19) VCF-style: chr22-20030908-C-G.
Other names: c.87C>G, p.Phe29Leu (NM_001283106.3, NM_001283116.3, NM_001283148.3 and 10 more transcripts); c.210C>G, p.Phe70Leu (NM_001283129.3, NM_001283215.3, NM_001322141.2 and 5 more transcripts); c.-93C>G (NM_001283235.3, NM_001322146.2, NM_001322148.2 and 9 more transcripts); short protein forms F70L, F29L.
Identifiers: ClinVar variation 1954276 (VCV001954276.2), dbSNP rs372221548, ClinGen allele CA10106193.

ClinVar aggregate classification (germline): Uncertain significance (1 of 4 stars; one submission).

Allele frequency attached by ClinVar (database versions not stated): gnomAD exomes below 0.00001; ExAC 0.00002; gnomAD 0.00003; TOPMed 0.00003; ESP Exome Variant Server 0.00015.
gnomAD v4.1: 6 of 1,613,546 alleles (0.00037%); highest among the groups gnomAD compares: African/African-American, 0.008%; no homozygotes.

Submission:

Labcorp Genetics (formerly Invitae), Labcorp
Classification: Uncertain significance. Last evaluated: 2022-03-28. Review status: criteria provided, single submitter. Criteria: Invitae Variant Classification Sherloc (09022015). Collection method: clinical testing. Allele origin: germline.
Comment: This sequence change replaces phenylalanine, which is neutral and non-polar, with leucine, which is neutral and non-polar, at codon 29 of the TANGO2 protein (p.Phe29Leu). This variant is present in population databases (rs372221548, gnomAD 0.02%). This variant has not been reported in the literature in individuals affected with TANGO2-related conditions. Algorithms developed to predict the effect of missense changes on protein structure and function are either unavailable or do not agree on the potential impact of this missense change (SIFT: "Not Available"; PolyPhen-2: "Benign"; Align-GVGD: "Not Available"). In summary, the available evidence is currently insufficient to determine the role of this variant in disease. Therefore, it has been classified as a Variant of Uncertain Significance.